The following is an entry in ClinVar:

ClinVar aggregate classification (germline): Pathogenic (1 of 4 stars; one submission).

Submission:

Labcorp Genetics (formerly Invitae), Labcorp
Classification: Pathogenic. Last evaluated: 2025-12-14. Review status: criteria provided, single submitter. Criteria: Invitae Variant Classification Sherloc (09022015). Collection method: clinical testing. Allele origin: germline.
Comment: This sequence change creates a premature translational stop signal (p.Leu701Trpfs*12) in the PDE6B gene. It is expected to result in an absent or disrupted protein product. Loss-of-function variants in PDE6B are known to be pathogenic (PMID: 8394174, 8595886, 22334370). This variant is not present in population databases (gnomAD no frequency). This variant has not been reported in the literature in individuals affected with PDE6B-related conditions. For these reasons, this variant has been classified as Pathogenic.

Literature cited by the submitters: PubMed 8394174; PubMed 8595886; PubMed 22334370.

NM_000283.4(PDE6B):c.2101del (p.Leu701fs)

Gene: PDE6B (phosphodiesterase 6B; plus strand). Cytogenetic location: 4p16.3.
Variant type: Deletion.
Coding change: c.2101del on transcript NM_000283.4 (MANE Select); coding-DNA position 2101, one base deleted (C; older notation c.2101delC).
Protein change: p.Leu701fs; shifts the reading frame from leucine 701.
Molecular consequence: frameshift variant.
Genome position (GRCh38, 1-based): chr4:664,193, C deleted; the last of 3 consecutive C bases (chr4:664,191-664,193); deleting any one gives the same sequence. VCF-style (leftmost placement, unchanged base first): chr4-664190-TC-T. GRCh37 (hg19) VCF-style: chr4-657979-TC-T.
Other names: c.2101del, p.Leu701fs (NM_001145291.2, NM_001440547.1, NM_001440548.1); c.1264del, p.Leu422fs (NM_001145292.2, NM_001350154.3, NM_001379246.1 and 1 more transcripts); c.946del, p.Leu316fs (NM_001350155.3); short protein forms L422fs, L316fs, L701fs.
Identifiers: ClinVar variation 4769170 (VCV004769170.1).
Genomic context (GRCh38, chr4:664,190, plus strand): 5'-CAGAAGATCGTGGATGAGTCCAAGAACTACCAGGACAAGAAGAGCTGGGTGGAGTACCTG[TC>T]CCTGGAGACGACCCGGAAGGAGATCGTCATGTGAGCGCGGGCGGAGGGGGCACGAGGGGT-3'